The following is an entry in ClinVar:

ClinVar aggregate classification (germline): Pathogenic/Likely pathogenic. Review status: no assertion criteria provided (0 of 4 stars). 2 submissions from 2 submitters: Pathogenic (1); Likely pathogenic (1). Last evaluated 2021-10-15.

Conditions:
Charcot-Marie-Tooth Disease, axonal, type 2GG (CMT2GG). Also called: Charcot-Marie-Tooth neuropathy, type 2GG; Charcot-Marie-Tooth neuropathy, axonal, type 2GG; Charcot-Marie-Tooth disease dominant intermediate II. Identifiers: Orphanet 100043, MedGen C5561933, MONDO:0011675, OMIM 606483.
Motor axonal neuropathy. Identifiers: MedGen C2749625, HP:0007002.

gnomAD v4.1: 12 of 1,614,034 alleles (0.00074%); highest among the groups gnomAD compares: South Asian, 0.0011%; no homozygotes.

Submissions (2):

OMIM
Classification: Pathogenic for CHARCOT-MARIE-TOOTH DISEASE, AXONAL, TYPE 2GG. Last evaluated: 2021-10-15. Review status: no assertion criteria provided. Collection method: literature only. Allele origin: germline.

Institute of Human Genetics, Cologne University
Classification: Likely pathogenic for Motor axonal neuropathy. Review status: no assertion criteria provided. Collection method: research. Allele origin: inherited. Inheritance: Autosomal dominant inheritance. Affected: yes. Observed: 1 heterozygote.
Comment: This variant was observed in a three-generation family with affected individuals having an autosomal-dominant CMT2. The variant segregates with the disease among the affected individuals. Skin fibroblast from the affected individual showed an increased golgi fragmentation favoring the pathogenic effect of the variant. A research paper reporting this work is submitted and currently under revision.

Literature cited by the submitters: PubMed 32937143 (cited by OMIM).

NM_001377137.1(GBF1):c.4385G>A (p.Arg1462Gln)

Gene: GBF1 (golgi brefeldin A resistant guanine nucleotide exchange factor 1; plus strand). Cytogenetic location: 10q24.32.
Variant type: single nucleotide variant.
Coding change: c.4385G>A on transcript NM_001377137.1 (MANE Select); coding-DNA position 4385, G replaced by A.
Protein change: p.Arg1462Gln; replaces arginine 1462 with glutamine.
Molecular consequence: missense variant. On other transcripts: non-coding transcript variant (5).
Genome position (GRCh38, 1-based): chr10:102,377,031, G>A. VCF-style: chr10-102377031-G-A. GRCh37 (hg19) VCF-style: chr10-104136788-G-A.
Other names: c.4385G>A, p.Arg1462Gln (NM_001199378.2); c.4382G>A, p.Arg1461Gln (NM_001199379.2, NM_001377141.1, NM_004193.3); c.4346G>A, p.Arg1449Gln (NM_001377138.1); c.4088G>A, p.Arg1363Gln (NM_001377139.1, NM_001377140.1); short protein forms R1363Q, R1462Q, R1449Q, R1461Q.
Identifiers: ClinVar variation 972904 (VCV000972904.3), dbSNP rs2060541274, ClinGen allele CA377885139.